The following is an entry in ClinVar:

NM_001080467.3(MYO5B):c.2294G>A (p.Arg765Gln)

Gene: MYO5B (myosin VB; minus strand). Cytogenetic location: 18q21.1.
Variant type: single nucleotide variant.
Coding change: c.2294G>A on transcript NM_001080467.3 (MANE Select); coding-DNA position 2294, G replaced by A.
Protein change: p.Arg765Gln; replaces arginine 765 with glutamine.
Molecular consequence: missense variant.
Genome position (GRCh38, 1-based): chr18:49,906,539, C>T on the plus strand (G>A on the coding strand, the complement: MYO5B is on the minus strand). VCF-style: chr18-49906539-C-T. GRCh37 (hg19) VCF-style: chr18-47432909-C-T.
Other names: c.2294G>A (NM_001080467.2); short protein forms R765Q.
Identifiers: ClinVar variation 1063434 (VCV001063434.8), dbSNP rs759461762, ClinGen allele CA8961128.

ClinVar aggregate classification (germline): Uncertain significance. Review status: criteria provided, multiple submitters, no conflicts (2 of 4 stars). 3 submissions from 3 submitters: Uncertain significance (2). 1 of the submissions does not count toward it. Last evaluated 2025-11-05.

Conditions:
MYO5B-related disorder. Also called: MYO5B-related condition.
Inborn genetic diseases. Identifiers: MedGen C0950123, MeSH D030342.

Allele frequency attached by ClinVar (database versions not stated): ExAC 0.00002; gnomAD exomes 0.00002; TOPMed 0.00002.
gnomAD v4.1: 24 of 1,614,148 alleles (0.0015%); highest among the groups gnomAD compares: Admixed American, 0.012%; no homozygotes.

Submissions (3):

Ambry Genetics
Classification: Uncertain significance for Inborn genetic diseases. Last evaluated: 2025-11-05. Review status: criteria provided, single submitter. Criteria: Ambry Variant Classification Scheme 2023. Collection method: clinical testing. Allele origin: germline.

Labcorp Genetics (formerly Invitae), Labcorp
Classification: Uncertain significance. Last evaluated: 2025-10-21. Review status: criteria provided, single submitter. Criteria: Invitae Variant Classification Sherloc (09022015). Collection method: clinical testing. Allele origin: germline.
Comment: This sequence change replaces arginine, which is basic and polar, with glutamine, which is neutral and polar, at codon 765 of the MYO5B protein (p.Arg765Gln). This variant is present in population databases (rs759461762, gnomAD 0.01%). This variant has not been reported in the literature in individuals affected with MYO5B-related conditions. ClinVar contains an entry for this variant (Variation ID: 1063434). Invitae Evidence Modeling of protein sequence and biophysical properties (such as structural, functional, and spatial information, amino acid conservation, physicochemical variation, residue mobility, and thermodynamic stability) indicates that this missense variant is expected to disrupt MYO5B protein function with a positive predictive value of 80%. In summary, the available evidence is currently insufficient to determine the role of this variant in disease. Therefore, it has been classified as a Variant of Uncertain Significance.

PreventionGenetics, part of Exact Sciences
Classification: Uncertain significance for MYO5B-related condition. Last evaluated: 2024-02-21. Review status: no assertion criteria provided. Collection method: clinical testing. Allele origin: germline. Not counted in ClinVar's aggregate classification.
Comment: The MYO5B c.2294G>A variant is predicted to result in the amino acid substitution p.Arg765Gln. To our knowledge, this variant has not been reported in the literature. This variant is reported in 0.011% of alleles in individuals of Latino descent in gnomAD. At this time, the clinical significance of this variant is uncertain due to the absence of conclusive functional and genetic evidence.